The following is an entry in ClinVar:

NM_005475.3(SH2B3):c.1033G>T (p.Gly345Trp)

Gene: SH2B3 (SH2B adaptor protein 3; plus strand). Cytogenetic location: 12q24.12.
Variant type: single nucleotide variant.
Coding change: c.1033G>T on transcript NM_005475.3 (MANE Select); coding-DNA position 1033, G replaced by T.
Protein change: p.Gly345Trp; replaces glycine 345 with tryptophan.
Molecular consequence: missense variant.
Genome position (GRCh38, 1-based): chr12:111,447,341, G>T. VCF-style: chr12-111447341-G-T. GRCh37 (hg19) VCF-style: chr12-111885145-G-T.
Other names: c.427G>T, p.Gly143Trp (NM_001291424.1); short protein forms G345W, G143W.
Identifiers: ClinVar variation 3440818 (VCV003440818.1).

ClinVar aggregate classification (germline): Uncertain significance (1 of 4 stars; one submission).

Conditions:
Inborn genetic diseases. Identifiers: MedGen C0950123, MeSH D030342.

gnomAD v4.1: 14 of 1,613,222 alleles (0.00087%); highest among the groups gnomAD compares: African/African-American, 0.016%; no homozygotes.

Submission:

Ambry Genetics
Classification: Uncertain significance for Inborn genetic diseases. Last evaluated: 2024-12-01. Review status: criteria provided, single submitter. Criteria: Ambry Variant Classification Scheme 2023. Collection method: clinical testing. Allele origin: germline.
Comment: The p.G345W variant (also known as c.1033G>T), located in coding exon 5 of the SH2B3 gene, results from a G to T substitution at nucleotide position 1033. The glycine at codon 345 is replaced by tryptophan, an amino acid with highly dissimilar properties. This amino acid position is conserved. In addition, this alteration is predicted to be tolerated by in silico analysis. Based on the available evidence, the clinical significance of this variant remains unclear.